The following is an entry in ClinVar:

NM_206933.4(USH2A):c.10597T>C (p.Tyr3533His)

Gene: USH2A (usherin; minus strand). Cytogenetic location: 1q41.
Variant type: single nucleotide variant.
Coding change: c.10597T>C on transcript NM_206933.4 (MANE Select); coding-DNA position 10597, T replaced by C.
Protein change: p.Tyr3533His; replaces tyrosine 3533 with histidine.
Molecular consequence: missense variant.
Genome position (GRCh38, 1-based): chr1:215,782,185, A>G on the plus strand (T>C on the coding strand, the complement: USH2A is on the minus strand). VCF-style: chr1-215782185-A-G. GRCh37 (hg19) VCF-style: chr1-215955527-A-G.
Other names: short protein forms Y3533H.
Identifiers: ClinVar variation 1677087 (VCV001677087.1), dbSNP rs1288596700, ClinGen allele CA344837052.
Genomic context (GRCh38, chr1:215,782,185, plus strand): 5'-CAGAGAAGCTCAGTGATGTTCCCCGAAAACGTTCAATTCCATTTCGAAGAAGGATGTAGT[A>G]AATAATAGGACCTAAAAGAAGCAGAAAAATGACTGCATTTGAATGTGATATCATTTTAAC-3'
Protein context (NP_996816.3, residues 3523-3543): KPIQSNGPII[Tyr3533His]YILLRNGIER

ClinVar aggregate classification (germline): Uncertain significance (1 of 4 stars; one submission).

Allele frequency attached by ClinVar (database versions not stated): gnomAD exomes below 0.00001; TOPMed below 0.00001; gnomAD 0.00001.
gnomAD v4.1: 2 of 1,613,766 alleles (0.00012%); highest among the groups gnomAD compares: African/African-American, 0.0027%; no homozygotes.

Submission:

Women's Health and Genetics/Laboratory Corporation of America, LabCorp
Classification: Uncertain significance. Last evaluated: 2022-03-10. Review status: criteria provided, single submitter. Criteria: LabCorp Variant Classification Summary - May 2015. Collection method: clinical testing. Allele origin: germline.
Comment: Variant summary: USH2A c.10597T>C (p.Tyr3533His) results in a conservative amino acid change located in the Fibronectin type III domain (IPR003961) of the encoded protein sequence. Five of five in-silico tools predict a benign effect of the variant on protein function. The variant was absent in 251158 control chromosomes. The available data on variant occurrences in the general population are insufficient to allow any conclusion about variant significance. To our knowledge, no occurrence of c.10597T>C in individuals affected with Usher Syndrome and no experimental evidence demonstrating its impact on protein function have been reported. No clinical diagnostic laboratories have submitted clinical-significance assessments for this variant to ClinVar after 2014. Based on the evidence outlined above, the variant was classified as uncertain significance.